The following is an entry in ClinVar:

ClinVar aggregate classification (germline): Uncertain significance (1 of 4 stars; one submission).

Conditions:
Generalized epilepsy-paroxysmal dyskinesia syndrome (PNKD3). Also called: Generalized epilepsy and paroxysmal dyskinesia; Paroxysmal nonkinesigenic dyskinesia, 3, with or without generalized epilepsy. Identifiers: Orphanet 79137, MedGen C5574945, MONDO:0012276, OMIM 609446.

Submission:

Labcorp Genetics (formerly Invitae), Labcorp
Classification: Uncertain significance for Generalized epilepsy-paroxysmal dyskinesia syndrome. Last evaluated: 2025-09-27. Review status: criteria provided, single submitter. Criteria: Invitae Variant Classification Sherloc (09022015). Collection method: clinical testing. Allele origin: germline.
Comment: This sequence change replaces lysine, which is basic and polar, with asparagine, which is neutral and polar, at codon 1169 of the KCNMA1 protein (p.Lys1169Asn). This variant is not present in population databases (gnomAD no frequency). This variant has not been reported in the literature in individuals affected with KCNMA1-related conditions. An algorithm developed to predict the effect of missense changes on protein structure and function (PolyPhen-2) suggests that this variant is likely to be disruptive. In summary, the available evidence is currently insufficient to determine the role of this variant in disease. Therefore, it has been classified as a Variant of Uncertain Significance.

NM_001161352.2(KCNMA1):c.3681A>C (p.Lys1227Asn)

Gene: KCNMA1 (potassium calcium-activated channel subfamily M alpha 1; minus strand). Cytogenetic location: 10q22.3.
Variant type: single nucleotide variant.
Coding change: c.3681A>C on transcript NM_001161352.2 (MANE Select); coding-DNA position 3681, A replaced by C.
Protein change: p.Lys1227Asn; replaces lysine 1227 with asparagine.
Molecular consequence: missense variant.
Genome position (GRCh38, 1-based): chr10:76,887,296, T>G on the plus strand (A>C on the coding strand, the complement: KCNMA1 is on the minus strand). VCF-style: chr10-76887296-T-G. GRCh37 (hg19) VCF-style: chr10-78647054-T-G.
Other names: c.3519A>C, p.Lys1173Asn (NM_001014797.3); c.3630A>C, p.Lys1210Asn (NM_001161353.2); c.3357A>C, p.Lys1119Asn (NM_001271518.2); c.3597A>C, p.Lys1199Asn (NM_001271519.2); c.3516A>C, p.Lys1172Asn (NM_001322829.2, NM_001322836.2); c.3609A>C, p.Lys1203Asn (NM_001322830.2); c.3507A>C, p.Lys1169Asn (NM_001322832.2, NM_001410940.1, NM_002247.4); c.3600A>C, p.Lys1200Asn (NM_001322835.2, NM_001322837.2); and 3 more; short protein forms K1169N, K1173N, K1198N, K1200N, K1213N, K1227N, K1119N, K1203N.
Identifiers: ClinVar variation 4727934 (VCV004727934.1).